The following is an entry in ClinVar:

NM_000540.3(RYR1):c.5322_5340dup (p.Cys1781fs)

Gene: RYR1 (ryanodine receptor 1; plus strand). Cytogenetic location: 19q13.2.
Variant type: Duplication.
Coding change: c.5322_5340dup on transcript NM_000540.3 (MANE Select); coding-DNA positions 5322 to 5340, 19 bases duplicated (GCATCATTTCTCGCCCCCC).
Protein change: p.Cys1781fs; shifts the reading frame from cysteine 1781.
Molecular consequence: frameshift variant.
Genome position (GRCh38, 1-based): chr19:38,485,977-38,485,995, GCATCATTTCTCGCCCCCC duplicated; duplicating any 19 consecutive bases within chr19:38,485,972-38,485,995 gives the same sequence; the c. name uses the placement nearest the transcript's 3' end. VCF-style (leftmost placement, unchanged base first): chr19-38485971-G-GCCCCCGCATCATTTCTCGC. GRCh37 (hg19) VCF-style: chr19-38976611-G-GCCCCCGCATCATTTCTCGC.
Other names: c.5322_5340dup, p.Cys1781fs (NM_001042723.2); short protein forms C1781fs.
Identifiers: ClinVar variation 3695119 (VCV003695119.2).

ClinVar aggregate classification (germline): Pathogenic (1 of 4 stars; one submission).

Conditions:
RYR1-related disorder. Also called: RYR1-related condition; RYR1-related disorders. Identifiers: MedGen CN239331.

Submission:

Labcorp Genetics (formerly Invitae), Labcorp
Classification: Pathogenic for RYR1-related disorder. Last evaluated: 2024-02-07. Review status: criteria provided, single submitter. Criteria: Invitae Variant Classification Sherloc (09022015). Collection method: clinical testing. Allele origin: germline.
Comment: This sequence change creates a premature translational stop signal (p.Cys1781Alafs*83) in the RYR1 gene. It is expected to result in an absent or disrupted protein product. Loss-of-function variants in RYR1 are known to be pathogenic (PMID: 23919265, 25960145, 28818389, 30611313). This variant is not present in population databases (gnomAD no frequency). This variant has not been reported in the literature in individuals affected with RYR1-related conditions. For these reasons, this variant has been classified as Pathogenic.

Literature cited by the submitters: PubMed 23919265; PubMed 25960145; PubMed 28818389; PubMed 30611313.